The following is an entry in ClinVar:

NM_014991.6(WDFY3):c.6152G>A (p.Arg2051His)

Gene: WDFY3 (WD repeat and FYVE domain containing 3; minus strand). Cytogenetic location: 4q21.23.
Variant type: single nucleotide variant.
Coding change: c.6152G>A on transcript NM_014991.6 (MANE Select); coding-DNA position 6152, G replaced by A.
Protein change: p.Arg2051His; replaces arginine 2051 with histidine.
Molecular consequence: missense variant.
Genome position (GRCh38, 1-based): chr4:84,741,843, C>T on the plus strand (G>A on the coding strand, the complement: WDFY3 is on the minus strand). VCF-style: chr4-84741843-C-T. GRCh37 (hg19) VCF-style: chr4-85662996-C-T.
Other names: short protein forms R2051H.
Identifiers: ClinVar variation 3774287 (VCV003774287.1).
Genomic context (GRCh38, chr4:84,741,843, plus strand): 5'-AAATCTATAAGAAGTTTAGATTCTTTGTTGAACATGCCTTGCCAAAGCTTGTCCACCACA[C>T]GCTGTGTGAAATAAAACACATTGTTCACCAATACCTGGTAGCTTCCTCCACTGGTAATAG-3'
Protein context (NP_055806.2, residues 2041-2061): LVNNVFYFTQ[Arg2051His]VVDKLWQGMF

ClinVar aggregate classification (germline): Uncertain significance (1 of 4 stars; one submission).

gnomAD v4.1: 6 of 1,613,302 alleles (0.00037%); highest among the groups gnomAD compares: East Asian, 0.0022%; no homozygotes.

Submission:

GeneDx
Classification: Uncertain significance. Last evaluated: 2024-09-24. Review status: criteria provided, single submitter. Criteria: GeneDx Variant Classification Process June 2021. Collection method: clinical testing. Allele origin: germline. Affected: yes.
Comment: Not observed at significant frequency in large population cohorts (gnomAD); In silico analysis supports that this missense variant has a deleterious effect on protein structure/function; Has not been previously published as pathogenic or benign to our knowledge